The following is an entry in ClinVar:

NM_013444.4(UBQLN2):c.990A>G (p.Ala330=)

Gene: UBQLN2 (ubiquilin 2; plus strand). Cytogenetic location: Xp11.21.
Variant type: single nucleotide variant.
Coding change: c.990A>G on transcript NM_013444.4 (MANE Select); coding-DNA position 990, A replaced by G.
Protein change: p.Ala330=; no amino-acid change (alanine 330 retained).
Molecular consequence: synonymous variant.
Genome position (GRCh38, 1-based): chrX:56,564,863, A>G. VCF-style: chrX-56564863-A-G. GRCh37 (hg19) VCF-style: chrX-56591296-A-G.
Identifiers: ClinVar variation 3607796 (VCV003607796.2).
Genomic context (GRCh38, chrX:56,564,863, plus strand): 5'-AGAAAATCGCGATCCACTACCCAATCCATGGGCACCACCGCCAGCTACCCAGAGTTCTGC[A>G]ACTACCAGCACGACCACAAGCACTGGTAGTGGGTCTGGCAATAGTTCCAGCAATGCTACT-3'
Protein context (NP_038472.2, residues 320-340): WAPPPATQSS[Ala330=]TTSTTTSTGS

ClinVar aggregate classification (germline): Uncertain significance (1 of 4 stars; one submission).

Conditions:
Amyotrophic lateral sclerosis type 15. Also called: AMYOTROPHIC LATERAL SCLEROSIS 15 WITH FRONTOTEMPORAL DEMENTIA. Identifiers: Orphanet 803, MedGen C3275459, MONDO:0010459, OMIM 300857.

gnomAD v4.1: 1 of 1,209,211 alleles (0.000083%); highest among the groups gnomAD compares: Non-Finnish European, 0.00011%; no homozygotes.

Submission:

Labcorp Genetics (formerly Invitae), Labcorp
Classification: Uncertain significance for Amyotrophic lateral sclerosis type 15. Last evaluated: 2025-07-17. Review status: criteria provided, single submitter. Criteria: Invitae Variant Classification Sherloc (09022015). Collection method: clinical testing. Allele origin: germline.
Comment: This sequence change affects codon 330 of the UBQLN2 mRNA. It is a 'silent' change, meaning that it does not change the encoded amino acid sequence of the UBQLN2 protein. This variant is not present in population databases (gnomAD no frequency). This variant has not been reported in the literature in individuals affected with UBQLN2-related conditions. ClinVar contains an entry for this variant (Variation ID: 3607796). In summary, the available evidence is currently insufficient to determine the role of this variant in disease. Therefore, it has been classified as a Variant of Uncertain Significance.